The following is an entry in ClinVar:

NM_138477.4(CDAN1):c.1368-15G>A

Gene: CDAN1 (codanin 1; minus strand). Cytogenetic location: 15q15.2.
Variant type: single nucleotide variant.
Coding change: c.1368-15G>A on transcript NM_138477.4 (MANE Select); 15 bases into the intron before coding-DNA position 1368, G replaced by A.
Molecular consequence: intron variant.
Genome position (GRCh38, 1-based): chr15:42,733,201, C>T on the plus strand (G>A on the coding strand, the complement: CDAN1 is on the minus strand). VCF-style: chr15-42733201-C-T. GRCh37 (hg19) VCF-style: chr15-43025399-C-T.
Identifiers: ClinVar variation 886136 (VCV000886136.17), dbSNP rs74586882, ClinGen allele CA7516080.

ClinVar aggregate classification (germline): Benign/Likely benign. Review status: criteria provided, multiple submitters, no conflicts (2 of 4 stars). 5 submissions from 5 submitters: Benign (1); Likely benign (4). Last evaluated 2026-02-01.

Conditions:
Anemia, congenital dyserythropoietic, type 1a (CDAN1A). Also called: DYSERYTHROPOIETIC ANEMIA, CONGENITAL, TYPE Ia; CDAN1-Related Congenital Dyserythropoietic Anemia. Identifiers: MedGen C5574667, MONDO:0009135, OMIM 224120.
Congenital dyserythropoietic anemia, type I. Also called: Dyserythropoietic anemia, congenital type 1. Identifiers: Orphanet 98869, MedGen C0271933, MONDO:0020337. Disease mechanism: loss of function.

Allele frequency attached by ClinVar (database versions not stated): 1000 Genomes Project 30x 0.00281; 1000 Genomes Project 0.00300; ESP Exome Variant Server 0.00461; TOPMed 0.00489; gnomAD 0.00517 and 0.00523; gnomAD exomes 0.00517 and 0.00579; ExAC 0.00518.
gnomAD v4.1: 9,159 of 1,611,950 alleles (0.57%); highest among the groups gnomAD compares: Middle Eastern, 0.69%; 36 homozygotes.

Submissions (5):

Labcorp Genetics (formerly Invitae), Labcorp
Classification: Benign. Last evaluated: 2026-02-01. Review status: criteria provided, single submitter. Criteria: Invitae Variant Classification Sherloc (09022015). Collection method: clinical testing. Allele origin: germline.

ARUP Laboratories, Molecular Genetics and Genomics, ARUP Laboratories
Classification: Likely benign for Anemia, congenital dyserythropoietic, type 1a. Last evaluated: 2025-07-03. Review status: criteria provided, single submitter. Criteria: ARUP Molecular Germline Variant Investigation Process 2024. Collection method: clinical testing. Allele origin: germline.

Blueprint Genetics
Classification: Likely benign. Last evaluated: 2024-11-26. Review status: criteria provided, single submitter. Criteria: ACMG Guidelines, 2015. Collection method: clinical testing. Allele origin: germline.

Illumina Laboratory Services, Illumina
Classification: Likely benign for Anemia, congenital dyserythropoietic, type 1a. Last evaluated: 2018-01-12. Review status: criteria provided, single submitter. Criteria: ICSL Variant Classification Criteria 13 December 2019. Collection method: clinical testing. Allele origin: germline.
Comment: This variant was observed in the ICSL laboratory as part of a predisposition screen in an ostensibly healthy population. It had not been previously curated by ICSL or reported in the Human Gene Mutation Database (HGMD: prior to June 1st, 2018), and was therefore a candidate for classification through an automated scoring system. Utilizing variant allele frequency, disease prevalence and penetrance estimates, and inheritance mode, an automated score was calculated to assess if this variant is too frequent to cause the disease. Based on the score and internal cut-off values, a variant classified as likely benign is not then subjected to further curation. The score for this variant resulted in a classification of likely benign for this disease.

Breakthrough Genomics
Classification: Likely benign. Review status: criteria provided, single submitter. Criteria: ACMG Guidelines, 2015. Collection method: not provided. Allele origin: germline. Inheritance: Autosomal recessive inheritance. Affected: yes.